The following is an entry in ClinVar:

ClinVar aggregate classification (germline): Uncertain significance (1 of 4 stars; one submission).

Conditions:
Hereditary cancer-predisposing syndrome. Also called: Hereditary Cancer Syndrome; Neoplastic Syndromes, Hereditary; Tumor predisposition; Hereditary neoplastic syndrome. Identifiers: Orphanet 140162, MedGen C0027672, MeSH D009386, MONDO:0015356.

gnomAD v4.1: 41 of 1,614,044 alleles (0.0025%); highest among the groups gnomAD compares: Admixed American, 0.058%; no homozygotes.

Submission:

Ambry Genetics
Classification: Uncertain significance for Hereditary cancer-predisposing syndrome. Last evaluated: 2026-07-07. Review status: criteria provided, single submitter. Criteria: Ambry Variant Classification Scheme 2023. Collection method: clinical testing. Allele origin: germline.
Comment: The p.S632G variant (also known as c.1894A>G), located in coding exon 16 of the EGFR gene, results from an A to G substitution at nucleotide position 1894. The serine at codon 632 is replaced by glycine, an amino acid with similar properties. This amino acid position is conserved. In addition, this alteration is predicted to be tolerated by in silico analysis. Based on the available evidence, the clinical significance of this variant remains unclear.

NM_005228.5(EGFR):c.1881-855A>G

Gene: EGFR (epidermal growth factor receptor; plus strand). Cytogenetic location: 7p11.2.
Variant type: single nucleotide variant.
Coding change: c.1881-855A>G on transcript NM_005228.5 (MANE Select); 855 bases into the intron before coding-DNA position 1881, A replaced by G.
Molecular consequence: intron variant. On other transcripts: missense variant (1).
Genome position (GRCh38, 1-based): chr7:55,170,320, A>G. VCF-style: chr7-55170320-A-G. GRCh37 (hg19) VCF-style: chr7-55238013-A-G.
Other names: c.1894A>G, p.Ser632Gly (NM_201284.2); c.1746-855A>G (NM_001346899.2, NM_001346897.2); c.1080-855A>G (NM_001346941.2); c.1881-855A>G (NM_001346898.2); c.1722-855A>G (NM_001346900.2); short protein forms S632G.
Identifiers: ClinVar variation 5035752 (VCV005035752.1).